The following is an entry in ClinVar:

ClinVar aggregate classification (germline): Uncertain significance. Review status: criteria provided, multiple submitters, no conflicts (2 of 4 stars). 2 submissions from 2 submitters: Uncertain significance (2). Last evaluated 2026-02-04.

Conditions:
SCUBE3-related condition.
Inborn genetic diseases. Identifiers: MedGen C0950123, MeSH D030342.

Allele frequency attached by ClinVar (database versions not stated): ExAC 0.00002; gnomAD exomes 0.00005; ESP Exome Variant Server 0.00008; gnomAD 0.00009; TOPMed 0.00009.
gnomAD v4.1: 80 of 1,613,084 alleles (0.005%); highest among the groups gnomAD compares: Non-Finnish European, 0.0065%; no homozygotes.

Submissions (2):

PreventionGenetics, part of Exact Sciences
Classification: Uncertain significance for SCUBE3-related condition. Last evaluated: 2026-02-04. Review status: criteria provided, single submitter. Criteria: ACMG Guidelines, 2015. Collection method: clinical testing. Allele origin: germline.
Comment: The SCUBE3 c.1331C>T variant is predicted to result in the amino acid substitution p.Thr444Met. To our knowledge, this variant has not been reported in the literature. This variant is reported in 0.0062% of alleles in individuals of European (Non-Finnish) descent in gnomAD. At this time, the clinical significance of this variant is uncertain due to the absence of conclusive functional and genetic evidence.

Ambry Genetics
Classification: Uncertain significance for Inborn genetic diseases. Last evaluated: 2025-01-10. Review status: criteria provided, single submitter. Criteria: Ambry Variant Classification Scheme 2023. Collection method: clinical testing. Allele origin: germline.

NM_152753.4(SCUBE3):c.1331C>T (p.Thr444Met)

Gene: SCUBE3 (signal peptide, CUB domain and EGF like domain containing 3; plus strand). Cytogenetic location: 6p21.31.
Variant type: single nucleotide variant.
Coding change: c.1331C>T on transcript NM_152753.4 (MANE Select); coding-DNA position 1331, C replaced by T.
Protein change: p.Thr444Met; replaces threonine 444 with methionine.
Molecular consequence: missense variant.
Genome position (GRCh38, 1-based): chr6:35,241,824, C>T. VCF-style: chr6-35241824-C-T. GRCh37 (hg19) VCF-style: chr6-35209601-C-T.
Other names: c.1328C>T, p.Thr443Met (NM_001303136.2); c.1331C>T (NM_152753.3); short protein forms T443M, T444M.
Identifiers: ClinVar variation 2374072 (VCV002374072.4), dbSNP rs148936412, ClinGen allele CA3769468.